The following is an entry in ClinVar:

NM_006230.4(POLD2):c.1307C>T (p.Thr436Ile)

Gene: POLD2 (DNA polymerase delta 2, accessory subunit; minus strand). Cytogenetic location: 7p13.
Variant type: single nucleotide variant.
Coding change: c.1307C>T on transcript NM_006230.4 (MANE Select); coding-DNA position 1307, C replaced by T.
Protein change: p.Thr436Ile; replaces threonine 436 with isoleucine.
Molecular consequence: missense variant.
Genome position (GRCh38, 1-based): chr7:44,114,888, G>A on the plus strand (C>T on the coding strand, the complement: POLD2 is on the minus strand). VCF-style: chr7-44114888-G-A. GRCh37 (hg19) VCF-style: chr7-44154487-G-A.
Other names: c.1307C>T, p.Thr436Ile (NM_001127218.3, NM_001256879.2); short protein forms T436I.
Identifiers: ClinVar variation 2105120 (VCV002105120.4), dbSNP rs750964704, ClinGen allele CA4238555.
Genomic context (GRCh38, chr7:44,114,888, plus strand): 5'-CCGAAGCCCGAGAAGCTGATGGGCTGGCAGGCCAGGCTGCGCAGGTTCACAAGGCAGGCG[G>A]TCTGCGTGGCACTGAAGTCAGGGACAGTCACCAACAGCACTGTCTGGTCCTCAGGACCTG-3'
Protein context (NP_006221.3, residues 426-446): VTVPDFSATQ[Thr436Ile]ACLVNLRSLA

ClinVar aggregate classification (germline): Uncertain significance (1 of 4 stars; one submission).

Allele frequency attached by ClinVar (database versions not stated): ExAC 0.00001; gnomAD exomes 0.00001.

Submission:

Labcorp Genetics (formerly Invitae), Labcorp
Classification: Uncertain significance. Last evaluated: 2024-03-04. Review status: criteria provided, single submitter. Criteria: Invitae Variant Classification Sherloc (09022015). Collection method: clinical testing. Allele origin: germline.
Comment: This sequence change replaces threonine, which is neutral and polar, with isoleucine, which is neutral and non-polar, at codon 471 of the POLD2 protein (p.Thr471Ile). This variant is present in population databases (rs750964704, gnomAD 0.006%). This variant has not been reported in the literature in individuals affected with POLD2-related conditions. ClinVar contains an entry for this variant (Variation ID: 2105120). Experimental studies and prediction algorithms are not available or were not evaluated, and the functional significance of this variant is currently unknown. In summary, the available evidence is currently insufficient to determine the role of this variant in disease. Therefore, it has been classified as a Variant of Uncertain Significance.